The following is an entry in ClinVar:

ClinVar aggregate classification (germline): Pathogenic (1 of 4 stars; one submission).

Submission:

Labcorp Genetics (formerly Invitae), Labcorp
Classification: Pathogenic. Last evaluated: 2022-11-15. Review status: criteria provided, single submitter. Criteria: Invitae Variant Classification Sherloc (09022015). Collection method: clinical testing. Allele origin: germline.
Comment: For these reasons, this variant has been classified as Pathogenic. ClinVar contains an entry for this variant (Variation ID: 1453768). This variant has not been reported in the literature in individuals affected with TTLL5-related conditions. This variant is not present in population databases (gnomAD no frequency). This sequence change creates a premature translational stop signal (p.Phe122Serfs*5) in the TTLL5 gene. It is expected to result in an absent or disrupted protein product. Loss-of-function variants in TTLL5 are known to be pathogenic (PMID: 24791901, 27162334).

Literature cited by the submitters: PubMed 24791901; PubMed 27162334.

NM_015072.5(TTLL5):c.365_366del (p.Phe122fs)

Gene: TTLL5 (tubulin tyrosine ligase like 5; plus strand). Cytogenetic location: 14q24.3.
Variant type: Deletion.
Coding change: c.365_366del on transcript NM_015072.5 (MANE Select); coding-DNA positions 365 to 366, 2 bases deleted (TT; older notation c.365_366delTT).
Protein change: p.Phe122fs; shifts the reading frame from phenylalanine 122.
Molecular consequence: frameshift variant.
Genome position (GRCh38, 1-based): chr14:75,683,650-75,683,651, TT deleted; deleting any 2 consecutive bases within chr14:75,683,649-75,683,651 gives the same sequence; the c. name uses the placement nearest the transcript's 3' end. VCF-style (leftmost placement, unchanged base first): chr14-75683648-CTT-C. GRCh37 (hg19) VCF-style: chr14-76149991-CTT-C.
Other names: short protein forms F122fs.
Identifiers: ClinVar variation 1453768 (VCV001453768.6), dbSNP rs2140122597, ClinGen allele CA2573150269.
Genomic context (GRCh38, chr14:75,683,648, plus strand): 5'-AGGATCCCACCTGAAGCCCTTCTTACTGCGCACCCTCTCTGAAGCACAAAAAGTTAATCA[CTT>C]TCCCAGGTAATGCTCTTTGTAGCTGCTTTGCTTCATTTAAAGGTACATGACATTGGGGCA-3'